The following is an entry in ClinVar:

ClinVar aggregate classification (germline): Uncertain significance (1 of 4 stars; one submission).

Conditions:
Multiple congenital anomalies-hypotonia-seizures syndrome 1 (MCAHS1). Also called: GLYCOSYLPHOSPHATIDYLINOSITOL BIOSYNTHESIS DEFECT 3; PIGN-CDG; Congenital disorder of glycosylation due to PIGN deficiency. Identifiers: Orphanet 280633, MedGen C3279775, MONDO:0013563, OMIM 614080.

Submission:

Labcorp Genetics (formerly Invitae), Labcorp
Classification: Uncertain significance for Multiple congenital anomalies-hypotonia-seizures syndrome 1. Last evaluated: 2025-10-06. Review status: criteria provided, single submitter. Criteria: Invitae Variant Classification Sherloc (09022015). Collection method: clinical testing. Allele origin: germline.
Comment: This sequence change replaces aspartic acid, which is acidic and polar, with tyrosine, which is neutral and polar, at codon 347 of the PIGN protein (p.Asp347Tyr). This variant is not present in population databases (gnomAD no frequency). This variant has not been reported in the literature in individuals affected with PIGN-related conditions. Invitae Evidence Modeling of protein sequence and biophysical properties (such as structural, functional, and spatial information, amino acid conservation, physicochemical variation, residue mobility, and thermodynamic stability) indicates that this missense variant is not expected to disrupt PIGN protein function with a negative predictive value of 80%. In summary, the available evidence is currently insufficient to determine the role of this variant in disease. Therefore, it has been classified as a Variant of Uncertain Significance.

NM_176787.5(PIGN):c.1039G>T (p.Asp347Tyr)

Gene: PIGN (phosphatidylinositol glycan anchor biosynthesis class N; minus strand). Cytogenetic location: 18q21.33.
Variant type: single nucleotide variant.
Coding change: c.1039G>T on transcript NM_176787.5 (MANE Select); coding-DNA position 1039, G replaced by T.
Protein change: p.Asp347Tyr; replaces aspartic acid 347 with tyrosine.
Molecular consequence: missense variant.
Genome position (GRCh38, 1-based): chr18:62,139,060, C>A on the plus strand (G>T on the coding strand, the complement: PIGN is on the minus strand). VCF-style: chr18-62139060-C-A. GRCh37 (hg19) VCF-style: chr18-59806293-C-A.
Other names: c.1039G>T, p.Asp347Tyr (NM_001438896.1, NM_001438904.1, NM_001438905.1 and 2 more transcripts); short protein forms D347Y.
Identifiers: ClinVar variation 4744462 (VCV004744462.1).